The following is an entry in ClinVar:

NM_000488.4(SERPINC1):c.607C>T (p.Gln203Ter)

Gene: SERPINC1 (serpin family C member 1; minus strand). Cytogenetic location: 1q25.1.
Variant type: single nucleotide variant.
Coding change: c.607C>T on transcript NM_000488.4 (MANE Select); coding-DNA position 607, C replaced by T.
Protein change: p.Gln203Ter; replaces glutamine 203 with a stop codon.
Molecular consequence: nonsense. On other transcripts: intron variant (1).
Genome position (GRCh38, 1-based): chr1:173,911,816, G>A on the plus strand (C>T on the coding strand, the complement: SERPINC1 is on the minus strand). VCF-style: chr1-173911816-G-A. GRCh37 (hg19) VCF-style: chr1-173880954-G-A.
Other names: c.463C>T, p.Gln155Ter (NM_001365052.2); c.607C>T, p.Gln203Ter (NM_001386302.1, NM_001386304.1, NM_001386305.1); c.688C>T, p.Gln230Ter (NM_001386303.1); c.409-925C>T (NM_001386306.1); short protein forms Q230*, Q155*, Q203*.
Identifiers: ClinVar variation 1456446 (VCV001456446.8), dbSNP rs2102785788, ClinGen allele CA343776147.

ClinVar aggregate classification (germline): Pathogenic (1 of 4 stars; one submission).

Conditions:
Hereditary antithrombin deficiency (AT3D). Also called: Antithrombin deficiency; Antithrombin III deficiency; Thrombophilia due to antithrombin III deficiency; Reduced antithrombin III activity. Identifiers: Orphanet 82, MedGen C0272375, MONDO:0013144, OMIM 613118, HP:0001976.

Submission:

Labcorp Genetics (formerly Invitae), Labcorp
Classification: Pathogenic for Hereditary antithrombin deficiency. Last evaluated: 2021-06-22. Review status: criteria provided, single submitter. Criteria: Invitae Variant Classification Sherloc (09022015). Collection method: clinical testing. Allele origin: germline.
Comment: This sequence change creates a premature translational stop signal (p.Gln203*) in the SERPINC1 gene. It is expected to result in an absent or disrupted protein product. Loss-of-function variants in SERPINC1 are known to be pathogenic (PMID: 21264449). This variant is not present in population databases (ExAC no frequency). This variant has been observed in individual(s) with autosomal dominant antithrombin deficiency (PMID: 28300866). For these reasons, this variant has been classified as Pathogenic.

Literature cited by the submitters: PubMed 21264449; PubMed 28300866.